The following is an entry in ClinVar:

ClinVar aggregate classification (germline): Conflicting classifications of pathogenicity. Review status: criteria provided, conflicting classifications (1 of 4 stars). 3 submissions from 3 submitters: Uncertain significance (1); Likely benign (2). Last evaluated 2026-05-11.

Conditions:
TTN-related disorder. Also called: TTN-related condition; TTN-related disease; TTN-related disorders.

Allele frequency attached by ClinVar (database versions not stated): gnomAD exomes 0.00001 and 0.00003; ExAC 0.00004; gnomAD 0.00004; TOPMed 0.00004.

Submissions (3):

PreventionGenetics, part of Exact Sciences
Classification: Uncertain significance for TTN-related condition. Last evaluated: 2026-05-11. Review status: criteria provided, single submitter. Criteria: ACMG Guidelines, 2015. Collection method: clinical testing. Allele origin: germline.
Comment: The TTN c.78992G>A variant is predicted to result in the amino acid substitution p.Arg26331Gln. To our knowledge, this variant has not been reported in the literature. This variant is reported in 0.021% of alleles in individuals of African descent in gnomAD. At this time, the clinical significance of this variant is uncertain due to the absence of conclusive functional and genetic evidence.

Women's Health and Genetics/Laboratory Corporation of America, LabCorp
Classification: Likely benign. Last evaluated: 2023-09-26. Review status: criteria provided, single submitter. Criteria: LabCorp Variant Classification Summary - May 2015. Collection method: clinical testing. Allele origin: germline.
Comment: Variant summary: TTN c.71288G>A (p.Arg23763Gln) results in a conservative amino acid change located in the A-band region of the encoded protein sequence. Two of four in-silico tools predict a benign effect of the variant on protein function. The variant allele was found at a frequency of 2.8e-05 in 248044 control chromosomes (gnomAD). The available data on variant occurrences in the general population are insufficient to allow any conclusion about variant significance. To our knowledge, no occurrence of c.71288G>A in individuals affected with Dilated Cardiomyopathy and no experimental evidence demonstrating its impact on protein function have been reported. One submitter has cited clinical-significance assessments for this variant to ClinVar after 2014 and has classified the variant as benign/likely benign. Based on the evidence outlined above, the variant was classified as likely benign.

GeneDx
Classification: Likely benign. Last evaluated: 2019-03-04. Review status: criteria provided, single submitter. Criteria: GeneDx Variant Classification Process June 2021. Collection method: clinical testing. Allele origin: germline. Affected: yes.

NM_001267550.2(TTN):c.78992G>A (p.Arg26331Gln)

Genes: TTN (titin; minus strand), TTN-AS1 (TTN antisense RNA 1; plus strand). Cytogenetic location: 2q31.2.
Variant type: single nucleotide variant.
Coding change: c.78992G>A on transcript NM_001267550.2 (MANE Select); coding-DNA position 78992, G replaced by A.
Protein change: p.Arg26331Gln; replaces arginine 26331 with glutamine.
Molecular consequence: missense variant.
Genome position (GRCh38, 1-based): chr2:178,567,140, C>T on the plus strand (G>A on the coding strand, the complement: TTN is on the minus strand). VCF-style: chr2-178567140-C-T. GRCh37 (hg19) VCF-style: chr2-179431867-C-T.
Other names: c.74069G>A, p.Arg24690Gln (NM_001256850.1); c.51797G>A, p.Arg17266Gln (NM_003319.4); c.71288G>A, p.Arg23763Gln (NM_133378.4); c.52172G>A, p.Arg17391Gln (NM_133432.3); c.52373G>A, p.Arg17458Gln (NM_133437.4); short protein forms R17266Q, R17391Q, R17458Q, R23763Q, R24690Q, R26331Q.
Identifiers: ClinVar variation 1013432 (VCV001013432.13), dbSNP rs758190406, ClinGen allele CA1989540.